The following is an entry in ClinVar:

NM_001378615.1(CC2D2A):c.306dup (p.Arg103fs)

Genes: CC2D2A (coiled-coil and C2 domain containing 2A; plus strand), FBXL5 (F-box and leucine rich repeat protein 5; minus strand). Cytogenetic location: 4p15.32.
Variant type: Duplication.
Coding change: c.306dup on transcript NM_001378615.1 (MANE Select); coding-DNA position 306, one base duplicated (A; older notation c.306dupA).
Protein change: p.Arg103fs; shifts the reading frame from arginine 103.
Molecular consequence: frameshift variant.
Genome position (GRCh38, 1-based): chr4:15,502,487, A duplicated. VCF-style (leftmost placement, unchanged base first): chr4-15502486-G-GA. GRCh37 (hg19) VCF-style: chr4-15504109-G-GA.
Other names: c.306dup, p.Arg103fs (NM_001080522.2); c.159dup, p.Arg54fs (NM_001378617.1); short protein forms R103fs, R54fs.
Identifiers: ClinVar variation 2027977 (VCV002027977.4), dbSNP rs2474888813, ClinGen allele CA2580070849.

ClinVar aggregate classification (germline): Pathogenic (1 of 4 stars; one submission).

Conditions:
Joubert syndrome. Also called: JOUBERT-BOLTSHAUSER SYNDROME; Familial aplasia of the vermis. Identifiers: Orphanet 475, MedGen C5979921, MONDO:0018772.
Meckel-Gruber syndrome. Also called: DYSENCEPHALIA SPLANCHNOCYSTICA; GRUBER SYNDROME; Dysencephalia splachnocystica. Identifiers: Orphanet 564, MedGen C0265215, MONDO:0018921.

Submission:

Labcorp Genetics (formerly Invitae), Labcorp
Classification: Pathogenic for Joubert syndrome; Meckel-Gruber syndrome. Last evaluated: 2022-10-17. Review status: criteria provided, single submitter. Criteria: Invitae Variant Classification Sherloc (09022015). Collection method: clinical testing. Allele origin: germline.
Comment: For these reasons, this variant has been classified as Pathogenic. This variant has not been reported in the literature in individuals affected with CC2D2A-related conditions. This variant is not present in population databases (gnomAD no frequency). This sequence change creates a premature translational stop signal (p.Arg103Thrfs*34) in the CC2D2A gene. It is expected to result in an absent or disrupted protein product. Loss-of-function variants in CC2D2A are known to be pathogenic (PMID: 19777577).

Literature cited by the submitters: PubMed 19777577.